The following is an entry in ClinVar:

NM_001366900.1(TTC21A):c.38T>C (p.Ile13Thr)

Gene: TTC21A (tetratricopeptide repeat domain 21A; plus strand). Cytogenetic location: 3p22.2.
Variant type: single nucleotide variant.
Coding change: c.38T>C on transcript NM_001366900.1 (MANE Select); coding-DNA position 38, T replaced by C.
Protein change: p.Ile13Thr; replaces isoleucine 13 with threonine.
Molecular consequence: missense variant. On other transcripts: non-coding transcript variant (3).
Genome position (GRCh38, 1-based): chr3:39,109,095, T>C. VCF-style: chr3-39109095-T-C. GRCh37 (hg19) VCF-style: chr3-39150586-T-C.
Other names: c.38T>C, p.Ile13Thr (NM_001105513.3, NM_001366899.1, NM_145755.3); short protein forms I13T.
Identifiers: ClinVar variation 3053633 (VCV003053633.3), dbSNP rs200785639, ClinGen allele CA2323919.

ClinVar aggregate classification (germline): Uncertain significance. Review status: criteria provided, single submitter (1 of 4 stars). 2 submissions from 2 submitters: Uncertain significance (1). 1 of the submissions does not count toward it. Last evaluated 2025-08-29.

Conditions:
TTC21A-related disorder. Also called: TTC21A-related condition.

Allele frequency attached by ClinVar (database versions not stated): gnomAD exomes 0.00038; ExAC 0.00062; ESP Exome Variant Server 0.00147; gnomAD 0.00199; 1000 Genomes Project 0.00200; TOPMed 0.00217; 1000 Genomes Project 30x 0.00219.
gnomAD v4.1: 885 of 1,613,906 alleles (0.055%); highest among the groups gnomAD compares: African/African-American, 0.66%; 3 homozygotes.

Submissions (2):

Ambry Genetics
Classification: Uncertain significance. Last evaluated: 2025-08-29. Review status: criteria provided, single submitter. Criteria: Ambry Variant Classification Scheme 2023. Collection method: clinical testing. Allele origin: germline.

PreventionGenetics, part of Exact Sciences
Classification: Likely benign for TTC21A-related condition. Last evaluated: 2019-11-14. Review status: no assertion criteria provided. Collection method: clinical testing. Allele origin: germline. Not counted in ClinVar's aggregate classification.
Comment: This variant is classified as likely benign based on ACMG/AMP sequence variant interpretation guidelines (Richards et al. 2015 PMID: 25741868, with internal and published modifications).